The following is an entry in ClinVar:

NM_000390.4(CHM):c.514G>A (p.Ala172Thr)

Gene: CHM (CHM Rab escort protein; minus strand). Cytogenetic location: Xq21.2.
Variant type: single nucleotide variant.
Coding change: c.514G>A on transcript NM_000390.4 (MANE Select); coding-DNA position 514, G replaced by A.
Protein change: p.Ala172Thr; replaces alanine 172 with threonine.
Molecular consequence: missense variant.
Genome position (GRCh38, 1-based): chrX:85,963,853, C>T on the plus strand (G>A on the coding strand, the complement: CHM is on the minus strand). VCF-style: chrX-85963853-C-T. GRCh37 (hg19) VCF-style: chrX-85218858-C-T.
Other names: c.514G>A (NM_000390.3); c.70G>A, p.Ala24Thr (NM_001320959.1, NM_001362517.1, NM_001362518.2 and 1 more transcripts); short protein forms A172T, A24T.
Identifiers: ClinVar variation 1166386 (VCV001166386.11), dbSNP rs755487114, ClinGen allele CA10465565.

ClinVar aggregate classification (germline): Benign/Likely benign. Review status: criteria provided, multiple submitters, no conflicts (2 of 4 stars). 3 submissions from 3 submitters: Benign (1); Likely benign (2). Last evaluated 2026-01-20.

Conditions:
CHM-related disorder. Also called: CHM-related condition.

Allele frequency attached by ClinVar (database versions not stated): TOPMed below 0.00001; gnomAD 0.00001; gnomAD exomes 0.00006 and 0.00012; ExAC 0.00015.
gnomAD v4.1: 63 of 1,209,487 alleles (0.0052%); highest among the groups gnomAD compares: South Asian, 0.11%; 1 homozygote.

Submissions (3):

Labcorp Genetics (formerly Invitae), Labcorp
Classification: Benign. Last evaluated: 2026-01-20. Review status: criteria provided, single submitter. Criteria: Invitae Variant Classification Sherloc (09022015). Collection method: clinical testing. Allele origin: germline.

PreventionGenetics, part of Exact Sciences
Classification: Likely benign for CHM-related condition. Last evaluated: 2025-10-07. Review status: criteria provided, single submitter. Criteria: ACMG Guidelines, 2015. Collection method: clinical testing. Allele origin: germline.
Comment: This variant is classified as likely benign based on ACMG/AMP sequence variant interpretation guidelines (Richards et al. 2015 PMID: 25741868, with internal and published modifications).

Blueprint Genetics
Classification: Likely benign. Last evaluated: 2024-09-27. Review status: criteria provided, single submitter. Criteria: ACMG Guidelines, 2015. Collection method: clinical testing. Allele origin: germline.